The following is an entry in ClinVar:

ClinVar aggregate classification (germline): Pathogenic (1 of 4 stars; one submission).

Conditions:
Benign neonatal seizures. Also called: Convulsions benign familial neonatal dominant form; Autosomal dominant form of benign neonatal seizures; Benign familial neonatal seizures; Benign neonatal familial convulsions; Benign familial neonatal epilepsy. Identifiers: Orphanet 1949, MedGen C0220669, MONDO:0016027.

gnomAD v4.1: 1 of 1,479,166 alleles (0.000068%); highest among the groups gnomAD compares: Non-Finnish European, 0.000089%; no homozygotes.

Submission:

Labcorp Genetics (formerly Invitae), Labcorp
Classification: Pathogenic for Benign neonatal seizures. Last evaluated: 2025-12-12. Review status: criteria provided, single submitter. Criteria: Invitae Variant Classification Sherloc (09022015). Collection method: clinical testing. Allele origin: germline.
Comment: This sequence change creates a premature translational stop signal (p.Glu39*) in the KCNQ3 gene. It is expected to result in an absent or disrupted protein product. Loss-of-function variants in KCNQ3 are known to be pathogenic (PMID: 29383681, 29852413). This variant is not present in population databases (gnomAD no frequency). This variant has not been reported in the literature in individuals affected with KCNQ3-related conditions. ClinVar contains an entry for this variant (Variation ID: 2713298). For these reasons, this variant has been classified as Pathogenic.

Literature cited by the submitters: PubMed 29383681; PubMed 29852413.

NM_004519.4(KCNQ3):c.115G>T (p.Glu39Ter)

Gene: KCNQ3 (potassium voltage-gated channel subfamily Q member 3; minus strand). Cytogenetic location: 8q24.22.
Variant type: single nucleotide variant.
Coding change: c.115G>T on transcript NM_004519.4 (MANE Select); coding-DNA position 115, G replaced by T.
Protein change: p.Glu39Ter; replaces glutamic acid 39 with a stop codon.
Molecular consequence: nonsense.
Genome position (GRCh38, 1-based): chr8:132,480,418, C>A on the plus strand (G>T on the coding strand, the complement: KCNQ3 is on the minus strand). VCF-style: chr8-132480418-C-A. GRCh37 (hg19) VCF-style: chr8-133492665-C-A.
Other names: short protein forms E39*.
Identifiers: ClinVar variation 2713298 (VCV002713298.3), dbSNP rs1448580874, ClinGen allele CA372292866.